The following is an entry in ClinVar:

ClinVar aggregate classification (germline): Uncertain significance (1 of 4 stars; one submission).

Conditions:
Epilepsy. Also called: Seizure disorder. Identifiers: MedGen C0014544, MeSH D004827, MONDO:0005027.

gnomAD v4.1: 4 of 1,603,420 alleles (0.00025%); highest among the groups gnomAD compares: South Asian, 0.0022%; no homozygotes.

Submission:

Labcorp Genetics (formerly Invitae), Labcorp
Classification: Uncertain significance for Epilepsy. Last evaluated: 2022-03-12. Review status: criteria provided, single submitter. Criteria: Invitae Variant Classification Sherloc (09022015). Collection method: clinical testing. Allele origin: germline.
Comment: This sequence change replaces aspartic acid, which is acidic and polar, with histidine, which is basic and polar, at codon 167 of the PIGQ protein (p.Asp167His). In summary, the available evidence is currently insufficient to determine the role of this variant in disease. Therefore, it has been classified as a Variant of Uncertain Significance. Algorithms developed to predict the effect of missense changes on protein structure and function output the following: SIFT: "Tolerated"; PolyPhen-2: "Benign"; Align-GVGD: "Class C0". The histidine amino acid residue is found in multiple mammalian species, which suggests that this missense change does not adversely affect protein function. This variant has not been reported in the literature in individuals affected with PIGQ-related conditions. This variant is present in population databases (no rsID available, gnomAD 0.007%).

NM_004204.5(PIGQ):c.499G>C (p.Asp167His)

Gene: PIGQ (phosphatidylinositol glycan anchor biosynthesis class Q; plus strand). Cytogenetic location: 16p13.3.
Variant type: single nucleotide variant.
Coding change: c.499G>C on transcript NM_004204.5 (MANE Select); coding-DNA position 499, G replaced by C.
Protein change: p.Asp167His; replaces aspartic acid 167 with histidine.
Molecular consequence: missense variant.
Genome position (GRCh38, 1-based): chr16:574,573, G>C. VCF-style: chr16-574573-G-C. GRCh37 (hg19) VCF-style: chr16-624573-G-C.
Other names: c.499G>C, p.Asp167His (NM_148920.4); short protein forms D167H.
Identifiers: ClinVar variation 2109733 (VCV002109733.2), dbSNP rs144825405, ClinGen allele CA394048750.